The following is an entry in ClinVar:

NM_007129.5(ZIC2):c.1392_1406dup (p.Ala470_Val471insAlaAlaAlaAlaAla)

Genes: ZIC2 (Zic family zinc finger 2; plus strand), LOC110008580 (Zic family member 2 polyalanine repeat instability region; plus strand). Cytogenetic location: 13q32.3.
Variant type: Duplication.
Coding change: c.1392_1406dup on transcript NM_007129.5 (MANE Select); coding-DNA positions 1392 to 1406, 15 bases duplicated (TGCGGCGGCGGCGGC).
Protein change: p.Ala470_Val471insAlaAlaAlaAlaAla.
Molecular consequence: inframe insertion.
Genome position (GRCh38, 1-based): chr13:99,985,475-99,985,489, TGCGGCGGCGGCGGC duplicated; duplicating any 15 consecutive bases within chr13:99,985,461-99,985,489 gives the same sequence; the c. name uses the placement nearest the transcript's 3' end. VCF-style (leftmost placement, unchanged base first): chr13-99985460-A-AGCGGCGGCGGCGGCT. GRCh37 (hg19) VCF-style: chr13-100637714-A-AGCGGCGGCGGCGGCT.
Identifiers: ClinVar variation 2854484 (VCV002854484.3), dbSNP rs761822481, ClinGen allele CA959473470.

ClinVar aggregate classification (germline): Uncertain significance (1 of 4 stars; one submission).

Conditions:
Holoprosencephaly 5 (HPE5). Identifiers: Orphanet 2162, MedGen C1864827, MONDO:0012322, OMIM 609637.

Submission:

Labcorp Genetics (formerly Invitae), Labcorp
Classification: Uncertain significance for Holoprosencephaly 5. Last evaluated: 2023-01-28. Review status: criteria provided, single submitter. Criteria: Invitae Variant Classification Sherloc (09022015). Collection method: clinical testing. Allele origin: germline.
Comment: This variant, c.1392_1406dup, results in the insertion of 5 amino acid(s) of the ZIC2 protein (p.Ala466_Ala470dup), but otherwise preserves the integrity of the reading frame. This variant is not present in population databases (gnomAD no frequency). This variant has not been reported in the literature in individuals affected with ZIC2-related conditions. In summary, the available evidence is currently insufficient to determine the role of this variant in disease. Therefore, it has been classified as a Variant of Uncertain Significance.